The following is an entry in ClinVar:

ClinVar aggregate classification (germline): Uncertain significance (1 of 4 stars; one submission).

Conditions:
Severe combined immunodeficiency due to DNA-PKcs deficiency. Also called: IMMUNODEFICIENCY 26 WITH NEUROLOGIC ABNORMALITIES; Immunodeficiency 26 with or without neurologic abnormalities. Identifiers: Orphanet 317425, MedGen C4014833, MONDO:0014423, OMIM 615966.

Allele frequency attached by ClinVar (database versions not stated): gnomAD exomes 0.00002; ExAC 0.00003.
gnomAD v4.1: 12 of 1,612,860 alleles (0.00074%); highest among the groups gnomAD compares: East Asian, 0.027%; no homozygotes.

Submission:

Labcorp Genetics (formerly Invitae), Labcorp
Classification: Uncertain significance for Severe combined immunodeficiency due to DNA-PKcs deficiency. Last evaluated: 2022-01-27. Review status: criteria provided, single submitter. Criteria: Invitae Variant Classification Sherloc (09022015). Collection method: clinical testing. Allele origin: germline.
Comment: This sequence change replaces aspartic acid, which is acidic and polar, with histidine, which is basic and polar, at codon 2073 of the PRKDC protein (p.Asp2073His). This variant is present in population databases (rs764738945, gnomAD 0.03%). This variant has not been reported in the literature in individuals affected with PRKDC-related conditions. Experimental studies and prediction algorithms are not available or were not evaluated, and the functional significance of this variant is currently unknown. In summary, the available evidence is currently insufficient to determine the role of this variant in disease. Therefore, it has been classified as a Variant of Uncertain Significance.

NM_006904.7(PRKDC):c.6217G>C (p.Asp2073His)

Gene: PRKDC (protein kinase, DNA-activated, catalytic subunit; minus strand). Cytogenetic location: 8q11.21.
Variant type: single nucleotide variant.
Coding change: c.6217G>C on transcript NM_006904.7 (MANE Select); coding-DNA position 6217, G replaced by C.
Protein change: p.Asp2073His; replaces aspartic acid 2073 with histidine.
Molecular consequence: missense variant.
Genome position (GRCh38, 1-based): chr8:47,858,977, C>G on the plus strand (G>C on the coding strand, the complement: PRKDC is on the minus strand). VCF-style: chr8-47858977-C-G. GRCh37 (hg19) VCF-style: chr8-48771538-C-G.
Other names: c.6217G>C, p.Asp2073His (NM_001081640.2); short protein forms D2073H.
Identifiers: ClinVar variation 2067187 (VCV002067187.3), dbSNP rs764738945, ClinGen allele CA4740423.